The following is an entry in ClinVar:

NM_153704.6(TMEM67):c.1433_1434del (p.Thr478fs)

Gene: TMEM67 (transmembrane protein 67; plus strand). Cytogenetic location: 8q22.1.
Variant type: Microsatellite.
Coding change: c.1433_1434del on transcript NM_153704.6 (MANE Select); coding-DNA positions 1433 to 1434, 2 bases deleted (CA; older notation c.1433_1434delCA).
Protein change: p.Thr478fs; shifts the reading frame from threonine 478.
Molecular consequence: frameshift variant. On other transcripts: non-coding transcript variant (1).
Genome position (GRCh38, 1-based): chr8:93,787,864-93,787,865, CA deleted; deleting any 2 consecutive bases within chr8:93,787,861-93,787,865 gives the same sequence; the c. name uses the placement nearest the transcript's 3' end. VCF-style (leftmost placement, unchanged base first): chr8-93787860-AAC-A. GRCh37 (hg19) VCF-style: chr8-94800088-AAC-A.
Other names: c.1190_1191del, p.Thr397fs (NM_001142301.1); short protein forms T397fs, T478fs.
Identifiers: ClinVar variation 1701551 (VCV001701551.31), dbSNP rs2130697429, ClinGen allele CA2580617199.

ClinVar aggregate classification (germline): Pathogenic (1 of 4 stars; one submission).

Submission:

CeGaT Center for Human Genetics Tuebingen
Classification: Pathogenic. Last evaluated: 2022-07-01. Review status: criteria provided, single submitter. Criteria: CeGaT Center For Human Genetics Tuebingen Variant Classification Criteria Version 2. Collection method: clinical testing. Allele origin: germline. Affected: yes. Observed: 1 variant allele.
Comment: TMEM67: PVS1, PM2